The following is an entry in ClinVar:

ClinVar aggregate classification (germline): Pathogenic. Review status: criteria provided, multiple submitters, no conflicts (2 of 4 stars). 2 submissions from 2 submitters: Pathogenic (2). Last evaluated 2025-10-29.

Conditions:
Knobloch syndrome 1 (KNO1). Identifiers: MedGen C4551775, MONDO:0800167, OMIM 267750.

Allele frequency attached by ClinVar (database versions not stated): gnomAD exomes below 0.00001; ExAC 0.00001; gnomAD 0.00001.

Submissions (2):

Labcorp Genetics (formerly Invitae), Labcorp
Classification: Pathogenic. Last evaluated: 2025-10-29. Review status: criteria provided, single submitter. Criteria: Invitae Variant Classification Sherloc (09022015). Collection method: clinical testing. Allele origin: germline.
Comment: This sequence change creates a premature translational stop signal (p.Arg487*) in the COL18A1 gene. It is expected to result in an absent or disrupted protein product. Loss-of-function variants in COL18A1 are known to be pathogenic (PMID: 12415512, 25456301). This variant is present in population databases (rs768055690, gnomAD 0.006%). This variant has not been reported in the literature in individuals affected with COL18A1-related conditions. ClinVar contains an entry for this variant (Variation ID: 1381645). For these reasons, this variant has been classified as Pathogenic.

Women's Health and Genetics/Laboratory Corporation of America, LabCorp
Classification: Pathogenic for Knobloch syndrome 1. Last evaluated: 2025-04-01. Review status: criteria provided, single submitter. Criteria: LabCorp Variant Classification Summary - May 2015. Collection method: clinical testing. Allele origin: germline.
Comment: Variant summary: COL18A1 c.1459C>T (p.Arg487X) results in a premature termination codon, predicted to cause a truncation of the encoded protein or absence of the protein due to nonsense mediated decay, which are commonly known mechanisms for disease. The variant allele was found at a frequency of 4.1e-06 in 244420 control chromosomes. c.1459C>T has been reported in the literature in the compound heterozygous state in at least one individual affected with Knobloch Syndrome 1 (Li_2021). To our knowledge, no experimental evidence demonstrating an impact on protein function has been reported. The following publication have been ascertained in the context of this evaluation (PMID: 34680907). This variant is also known as p.Arg667Ter. ClinVar contains an entry for this variant (Variation ID: 1381645). Based on the evidence outlined above, the variant was classified as pathogenic.

Literature cited by the submitters: PubMed 12415512 (cited by Labcorp Genetics (formerly Invitae), Labcorp); PubMed 25456301 (cited by Labcorp Genetics (formerly Invitae), Labcorp); PubMed 34680907 (cited by Women's Health and Genetics/Laboratory Corporation of America, LabCorp).

NM_001379500.1(COL18A1):c.1459C>T (p.Arg487Ter)

Gene: COL18A1 (collagen type XVIII alpha 1 chain; plus strand). Cytogenetic location: 21q22.3.
Variant type: single nucleotide variant.
Coding change: c.1459C>T on transcript NM_001379500.1 (MANE Select); coding-DNA position 1459, C replaced by T.
Protein change: p.Arg487Ter; replaces arginine 487 with a stop codon.
Molecular consequence: nonsense.
Genome position (GRCh38, 1-based): chr21:45,480,706, C>T. VCF-style: chr21-45480706-C-T. GRCh37 (hg19) VCF-style: chr21-46900620-C-T.
Other names: c.1999C>T, p.Arg667Ter (NM_030582.4); c.2704C>T, p.Arg902Ter (NM_130444.3); short protein forms R487*, R667*, R902*.
Identifiers: ClinVar variation 1381645 (VCV001381645.8), dbSNP rs768055690, ClinGen allele CA10066354.
Genomic context (GRCh38, chr21:45,480,706, plus strand): 5'-CATCCCTGGTGGGTGCCACATGGGCTGTGACTATCTGTGTTCGCCCACGTCCAGGGTCCT[C>T]GAGGCTTCCCTGGACCTCCCGGACCCCCCGGTGTCCCAGGCCTGCCCGGCGAGCCAGGCC-3'